The following is an entry in ClinVar:

NM_004655.4(AXIN2):c.1500C>A (p.Leu500=)

Gene: AXIN2 (axin 2; minus strand). Cytogenetic location: 17q24.1.
Variant type: single nucleotide variant.
Coding change: c.1500C>A on transcript NM_004655.4 (MANE Select); coding-DNA position 1500, C replaced by A.
Protein change: p.Leu500=; no amino-acid change (leucine 500 retained).
Molecular consequence: synonymous variant.
Genome position (GRCh38, 1-based): chr17:65,537,536, G>T on the plus strand (C>A on the coding strand, the complement: AXIN2 is on the minus strand). VCF-style: chr17-65537536-G-T. GRCh37 (hg19) VCF-style: chr17-63533654-G-T.
Other names: c.1500C>A, p.Leu500= (NM_001363813.1).
Identifiers: ClinVar variation 1017402 (VCV001017402.32), dbSNP rs745903369, ClinGen allele CA501691528.

ClinVar aggregate classification (germline): Likely benign. Review status: criteria provided, multiple submitters, no conflicts (2 of 4 stars). 2 submissions from 2 submitters: Likely benign (2). Last evaluated 2024-02-17.

Conditions:
Oligodontia-cancer predisposition syndrome. Also called: TOOTH AGENESIS-COLORECTAL CANCER SYNDROME. Identifiers: Orphanet 300576, MedGen C1837750, MONDO:0012075, OMIM 608615. Disease mechanism: loss of function.

Submissions (2):

Labcorp Genetics (formerly Invitae), Labcorp
Classification: Likely benign for Oligodontia-cancer predisposition syndrome. Last evaluated: 2024-02-17. Review status: criteria provided, single submitter. Criteria: Invitae Variant Classification Sherloc (09022015). Collection method: clinical testing. Allele origin: germline.

CeGaT Center for Human Genetics Tuebingen
Classification: Likely benign. Last evaluated: 2023-03-01. Review status: criteria provided, single submitter. Criteria: CeGaT Center For Human Genetics Tuebingen Variant Classification Criteria Version 2. Collection method: clinical testing. Allele origin: germline. Affected: yes. Observed: 1 variant allele.
Comment: AXIN2: PM2:Supporting, BP4, BP7